The following is an entry in ClinVar:

NM_006073.4(TRDN):c.805T>G (p.Phe269Val)

Gene: TRDN (triadin; minus strand). Cytogenetic location: 6q22.31.
Variant type: single nucleotide variant.
Coding change: c.805T>G on transcript NM_006073.4 (MANE Select); coding-DNA position 805, T replaced by G.
Protein change: p.Phe269Val; replaces phenylalanine 269 with valine.
Molecular consequence: missense variant. On other transcripts: intron variant (1).
Genome position (GRCh38, 1-based): chr6:123,497,241, A>C on the plus strand (T>G on the coding strand, the complement: TRDN is on the minus strand). VCF-style: chr6-123497241-A-C. GRCh37 (hg19) VCF-style: chr6-123818386-A-C.
Other names: c.805T>G, p.Phe269Val (NM_001251987.2); c.793+6478T>G (NM_001256020.2); short protein forms F269V.
Identifiers: ClinVar variation 2098876 (VCV002098876.4), dbSNP rs2534274869, ClinGen allele CA365567343.

ClinVar aggregate classification (germline): Uncertain significance (1 of 4 stars; one submission).

Conditions:
Catecholaminergic polymorphic ventricular tachycardia 1. Also called: VENTRICULAR TACHYCARDIA, STRESS-INDUCED POLYMORPHIC 1; RYR2-Related Catecholaminergic Polymorphic Ventricular Tachycardia; VENTRICULAR TACHYCARDIA, CATECHOLAMINERGIC POLYMORPHIC, 1, WITH OR WITHOUT ATRIAL DYSFUNCTION AND/OR DILATED CARDIOMYOPATHY. Identifiers: Orphanet 3286, MedGen C1631597, MONDO:0011484, OMIM 604772.

Submission:

Labcorp Genetics (formerly Invitae), Labcorp
Classification: Uncertain significance for Catecholaminergic polymorphic ventricular tachycardia 1. Last evaluated: 2022-02-18. Review status: criteria provided, single submitter. Criteria: Invitae Variant Classification Sherloc (09022015). Collection method: clinical testing. Allele origin: germline.
Comment: This variant has not been reported in the literature in individuals affected with TRDN-related conditions. This variant is not present in population databases (gnomAD no frequency). This sequence change replaces phenylalanine, which is neutral and non-polar, with valine, which is neutral and non-polar, at codon 269 of the TRDN protein (p.Phe269Val). Algorithms developed to predict the effect of missense changes on protein structure and function are either unavailable or do not agree on the potential impact of this missense change (SIFT: "Deleterious"; PolyPhen-2: "Probably Damaging"; Align-GVGD: "Class C0"). In summary, the available evidence is currently insufficient to determine the role of this variant in disease. Therefore, it has been classified as a Variant of Uncertain Significance.